The following is an entry in ClinVar:

NM_201269.3(ZNF644):c.2201C>A (p.Ala734Glu)

Gene: ZNF644 (zinc finger protein 644; minus strand). Cytogenetic location: 1p22.2.
Variant type: single nucleotide variant.
Coding change: c.2201C>A on transcript NM_201269.3 (MANE Select); coding-DNA position 2201, C replaced by A.
Protein change: p.Ala734Glu; replaces alanine 734 with glutamic acid.
Molecular consequence: missense variant. On other transcripts: intron variant (2).
Genome position (GRCh38, 1-based): chr1:90,939,153, G>T on the plus strand (C>A on the coding strand, the complement: ZNF644 is on the minus strand). VCF-style: chr1-90939153-G-T. GRCh37 (hg19) VCF-style: chr1-91404710-G-T.
Other names: c.23-20999C>A (NM_032186.5, NM_016620.4); short protein forms A734E.
Identifiers: ClinVar variation 3040181 (VCV003040181.2), dbSNP rs80161102, ClinGen allele CA944995.

ClinVar aggregate classification (germline): Benign (0 of 4 stars; one submission).

Conditions:
ZNF644-related disorder. Also called: ZNF644-related condition.

Allele frequency attached by ClinVar (database versions not stated): gnomAD exomes 0.00016; ExAC 0.00048; gnomAD 0.00061; 1000 Genomes Project 30x 0.00062; TOPMed 0.00075; 1000 Genomes Project 0.00080.
gnomAD v4.1: 332 of 1,613,684 alleles (0.021%); highest among the groups gnomAD compares: Admixed American, 0.35%; 1 homozygote.

Submission:

PreventionGenetics, part of Exact Sciences
Classification: Benign for ZNF644-related condition. Last evaluated: 2020-02-10. Review status: no assertion criteria provided. Collection method: clinical testing. Allele origin: germline.
Comment: This variant is classified as benign based on ACMG/AMP sequence variant interpretation guidelines (Richards et al. 2015 PMID: 25741868, with internal and published modifications).